The following is an entry in ClinVar:

ClinVar aggregate classification (germline): Uncertain significance (1 of 4 stars; one submission).

Submission:

Dasa
Classification: Uncertain significance. Last evaluated: 2025-02-28. Review status: criteria provided, single submitter. Criteria: DASA Assertion Criteria. Collection method: clinical testing. Allele origin: germline.
Comment: NM_003491.4(NAA10):c.685G>T (p.Glu229*) is a nonsense variant in NAA10 predicted to introduce a premature termination codon and is predicted to result in an absent or altered protein product. This variant is absent from population databases. The currently available literature and clinical evidence are not sufficient to establish a definitive association between this variant and the reported condition. Therefore, this variant is classified as a variant of uncertain significance.

NM_003491.4(NAA10):c.685G>T (p.Glu229Ter)

Gene: NAA10 (N-alpha-acetyltransferase 10, NatA catalytic subunit; minus strand). Cytogenetic location: Xq28.
Variant type: single nucleotide variant.
Coding change: c.685G>T on transcript NM_003491.4 (MANE Select); coding-DNA position 685, G replaced by T.
Protein change: p.Glu229Ter; replaces glutamic acid 229 with a stop codon.
Molecular consequence: nonsense.
Genome position (GRCh38, 1-based): chrX:153,930,010, C>A on the plus strand (G>T on the coding strand, the complement: NAA10 is on the minus strand). VCF-style: chrX-153930010-C-A. GRCh37 (hg19) VCF-style: chrX-153195463-C-A.
Other names: c.640G>T, p.Glu214Ter (NM_001256119.2); c.667G>T, p.Glu223Ter (NM_001256120.2); short protein forms E214*, E223*, E229*.
Identifiers: ClinVar variation 4885493 (VCV004885493.2).